The following is an entry in ClinVar:

NM_001035.3(RYR2):c.5007C>G (p.Asn1669Lys)

Gene: RYR2 (ryanodine receptor 2; plus strand). Cytogenetic location: 1q43.
Variant type: single nucleotide variant.
Coding change: c.5007C>G on transcript NM_001035.3 (MANE Select); coding-DNA position 5007, C replaced by G.
Protein change: p.Asn1669Lys; replaces asparagine 1669 with lysine.
Molecular consequence: missense variant.
Genome position (GRCh38, 1-based): chr1:237,614,135, C>G. VCF-style: chr1-237614135-C-G. GRCh37 (hg19) VCF-style: chr1-237777435-C-G.
Other names: short protein forms N1669K.
Identifiers: ClinVar variation 4757199 (VCV004757199.1).
Genomic context (GRCh38, chr1:237,614,135, plus strand): 5'-ATTGCTGAAATTTCACTATCACACTCTCCGGCTCTACTCAGCCGTCTGTGCTCTTGGGAA[C>G]CACCGGGTGGCCCATGCCCTGTGCAGCCATGTGGATGAACCTCAGCTCCTCTATGCCATT-3'
Protein context (NP_001026.2, residues 1659-1679): RLYSAVCALG[Asn1669Lys]HRVAHALCSH

ClinVar aggregate classification (germline): Uncertain significance (1 of 4 stars; one submission).

Conditions:
Cardiomyopathy (CMYO). Also called: Cardiomyopathies. Identifiers: Orphanet 167848, MedGen C0878544, MONDO:0004994, HP:0001638. Inheritance: Various modes of inheritance.

Submission:

Color Diagnostics, LLC DBA Color Health
Classification: Uncertain significance for Cardiomyopathy. Last evaluated: 2025-06-23. Review status: criteria provided, single submitter. Criteria: ACMG Guidelines, 2015. Collection method: clinical testing. Allele origin: germline.
Comment: This missense variant replaces asparagine with lysine at codon 1669 of the RYR2 protein. Computational prediction suggests that this variant may have deleterious impact on protein structure and function. To our knowledge, functional studies have not been reported for this variant. This variant has not been reported in individuals affected with RYR2-related disorders in the literature. This variant has not been identified in the general population by the Genome Aggregation Database (gnomAD). The available evidence is insufficient to determine the role of this variant in disease conclusively. Therefore, this variant is classified as a Variant of Uncertain Significance.